The following is an entry in ClinVar:

ClinVar aggregate classification (germline): Uncertain significance (1 of 4 stars; one submission).

Conditions:
Neuroocular syndrome 1 (NOC1). Identifiers: Orphanet 659904, MedGen C5925133, MONDO:0971007, OMIM 619539.

Submission:

Pittsburgh Clinical Genomics Laboratory, University of Pittsburgh Medical Center
Classification: Uncertain significance for Neuroocular syndrome 1. Last evaluated: 2023-05-11. Review status: criteria provided, single submitter. Criteria: ACMG Guidelines, 2015. Collection method: clinical testing. Allele origin: germline. Inheritance: Autosomal dominant inheritance. Affected: yes.
Comment: This sequence variant is a single nucleotide substitution (G>A) at position 4741 of the coding sequence of the PRR12 gene that results in a valine to isoleucine amino acid change at residue 1581 of the PRR12-encoded proline rich 12 protein. This variant does not occur in a known functiol domain. This novel variant has not been reported in clinical genetics databases or observed in the medical literature in individuals with PRR12-related disease, to our knowledge. This variant is absent from the gnomAD population database (0/~241100 alleles). Bioinformatic tools are inconclusive if this amino acid change is likely to be damaging or tolerated, and valine is highly conserved at this protein position in vertebrates. Functiol studies assessing the effect of this variant on protein structure or activity have not been performed, to our knowledge. At this time, there is insufficient evidence to determine if this variant is pathogenic or benign. Therefore, we consider it to be a variant of uncertain significance. ACMG Criteria: BP1, PM2

NM_020719.3(PRR12):c.4741G>A (p.Val1581Ile)

Gene: PRR12 (proline rich 12; plus strand). Cytogenetic location: 19q13.33.
Variant type: single nucleotide variant.
Coding change: c.4741G>A on transcript NM_020719.3 (MANE Select); coding-DNA position 4741, G replaced by A.
Protein change: p.Val1581Ile; replaces valine 1581 with isoleucine.
Molecular consequence: missense variant.
Genome position (GRCh38, 1-based): chr19:49,601,886, G>A. VCF-style: chr19-49601886-G-A. GRCh37 (hg19) VCF-style: chr19-50105143-G-A.
Other names: short protein forms V1581I.
Identifiers: ClinVar variation 3376328 (VCV003376328.1).